The following is an entry in ClinVar:

ClinVar aggregate classification (germline): Conflicting classifications of pathogenicity. Review status: criteria provided, conflicting classifications (1 of 4 stars). 2 submissions from 2 submitters: Uncertain significance (1); Likely benign (1). Last evaluated 2025-09-25.

Conditions:
Inborn genetic diseases. Identifiers: MedGen C0950123, MeSH D030342.

Allele frequency attached by ClinVar (database versions not stated): gnomAD exomes 0.00003; ExAC 0.00004; gnomAD 0.00001; TOPMed 0.00004; ESP Exome Variant Server 0.00008.
gnomAD v4.1: 47 of 1,608,722 alleles (0.0029%); highest among the groups gnomAD compares: Non-Finnish European, 0.0038%; no homozygotes.

Submissions (2):

Ambry Genetics
Classification: Likely benign for Inborn genetic diseases. Last evaluated: 2025-09-25. Review status: criteria provided, single submitter. Criteria: Ambry Variant Classification Scheme 2023. Collection method: clinical testing. Allele origin: germline.

Labcorp Genetics (formerly Invitae), Labcorp
Classification: Uncertain significance. Last evaluated: 2022-07-02. Review status: criteria provided, single submitter. Criteria: Invitae Variant Classification Sherloc (09022015). Collection method: clinical testing. Allele origin: germline.
Comment: This sequence change replaces cysteine, which is neutral and slightly polar, with tyrosine, which is neutral and polar, at codon 569 of the RNF168 protein (p.Cys569Tyr). This variant is present in population databases (rs148632434, gnomAD 0.01%). This variant has not been reported in the literature in individuals affected with RNF168-related conditions. Algorithms developed to predict the effect of missense changes on protein structure and function output the following: SIFT: "Tolerated"; PolyPhen-2: "Benign"; Align-GVGD: "Class C0". The tyrosine amino acid residue is found in multiple mammalian species, which suggests that this missense change does not adversely affect protein function. In summary, the available evidence is currently insufficient to determine the role of this variant in disease. Therefore, it has been classified as a Variant of Uncertain Significance.

NM_152617.4(RNF168):c.1706G>A (p.Cys569Tyr)

Gene: RNF168 (ring finger protein 168; minus strand). Cytogenetic location: 3q29.
Variant type: single nucleotide variant.
Coding change: c.1706G>A on transcript NM_152617.4 (MANE Select); coding-DNA position 1706, G replaced by A.
Protein change: p.Cys569Tyr; replaces cysteine 569 with tyrosine.
Molecular consequence: missense variant.
Genome position (GRCh38, 1-based): chr3:196,471,829, C>T on the plus strand (G>A on the coding strand, the complement: RNF168 is on the minus strand). VCF-style: chr3-196471829-C-T. GRCh37 (hg19) VCF-style: chr3-196198700-C-T.
Other names: short protein forms C569Y.
Identifiers: ClinVar variation 1916443 (VCV001916443.3), dbSNP rs148632434, ClinGen allele CA2780610.
Genomic context (GRCh38, chr3:196,471,829, plus strand): 5'-GCTTCACATTCCAGCTTTACTAGATCACAAAGCACTCCCTTTACCAGGCCTTACTTTGTG[C>T]ATCTCTGAAACATCTGAAAAACACTTTTCTGTGAAATGCTAGGCTGTAGGGAGTGAGCAC-3'
Protein context (NP_689830.2, residues 559-571): QKSVFQMFQR[Cys569Tyr]TK